The following is an entry in ClinVar:

NM_000182.5(HADHA):c.574-2A>G

Gene: HADHA (hydroxyacyl-CoA dehydrogenase trifunctional multienzyme complex subunit alpha; minus strand). Cytogenetic location: 2p23.3.
Variant type: single nucleotide variant.
Coding change: c.574-2A>G on transcript NM_000182.5 (MANE Select); the canonical splice acceptor site of the intron before coding-DNA position 574, A replaced by G.
Molecular consequence: splice acceptor variant.
Genome position (GRCh38, 1-based): chr2:26,230,296, T>C on the plus strand (A>G on the coding strand, the complement: HADHA is on the minus strand). VCF-style: chr2-26230296-T-C. GRCh37 (hg19) VCF-style: chr2-26453164-T-C.
Identifiers: ClinVar variation 835948 (VCV000835948.11), dbSNP rs1670591013, ClinGen allele CA346092574.

ClinVar aggregate classification (germline): Pathogenic/Likely pathogenic. Review status: criteria provided, multiple submitters, no conflicts (2 of 4 stars). 2 submissions from 2 submitters: Pathogenic (1); Likely pathogenic (1). Last evaluated 2023-09-12.

Conditions:
Mitochondrial trifunctional protein deficiency. Identifiers: Orphanet 746, MedGen C1969443, MONDO:0012172.
Long chain 3-hydroxyacyl-CoA dehydrogenase deficiency. Also called: LCHAD Deficiency; Deficiency of long-chain 3-hydroxyacyl-coenzyme A dehydrogenase. Identifiers: Orphanet 5, MedGen C3711645, MONDO:0012173, OMIM 609016.

Submissions (2):

Baylor Genetics
Classification: Pathogenic for Long chain 3-hydroxyacyl-CoA dehydrogenase deficiency. Last evaluated: 2023-09-12. Review status: criteria provided, single submitter. Criteria: ACMG Guidelines, 2015. Collection method: clinical testing. Allele origin: unknown.

Labcorp Genetics (formerly Invitae), Labcorp
Classification: Likely pathogenic for Mitochondrial trifunctional protein deficiency; Long chain 3-hydroxyacyl-CoA dehydrogenase deficiency. Last evaluated: 2020-10-01. Review status: criteria provided, single submitter. Criteria: Invitae Variant Classification Sherloc (09022015). Collection method: clinical testing. Allele origin: germline.
Comment: This sequence change affects an acceptor splice site in intron 6 of the HADHA gene. It is expected to disrupt RNA splicing and likely results in an absent or disrupted protein product. This variant is not present in population databases (ExAC no frequency). This variant has been observed in an individual affected with trifunctional protein deficiency (PMID: 10352164). Donor and acceptor splice site variants typically lead to a loss of protein function (PMID: 16199547), and loss-of-function variants in HADHA are known to be pathogenic (PMID: 7738175, 21103935, 21549624, 22459206). In summary, the currently available evidence indicates that the variant is pathogenic, but additional data are needed to prove that conclusively. Therefore, this variant has been classified as Likely Pathogenic.

Literature cited by the submitters: PubMed 10352164 (cited by Labcorp Genetics (formerly Invitae), Labcorp); PubMed 16199547 (cited by Labcorp Genetics (formerly Invitae), Labcorp); PubMed 7738175 (cited by Labcorp Genetics (formerly Invitae), Labcorp); PubMed 21103935 (cited by Labcorp Genetics (formerly Invitae), Labcorp); PubMed 21549624 (cited by Labcorp Genetics (formerly Invitae), Labcorp); PubMed 22459206 (cited by Labcorp Genetics (formerly Invitae), Labcorp).